The following is an entry in ClinVar:

ClinVar aggregate classification (germline): Uncertain significance (1 of 4 stars; one submission).

Conditions:
Primary ciliary dyskinesia. Also called: Ciliary dyskinesia. Identifiers: Orphanet 244, MedGen C0008780, MONDO:0016575, HP:0012265.

gnomAD v4.1: 11 of 1,575,234 alleles (0.0007%); highest among the groups gnomAD compares: Non-Finnish European, 0.00094%; no homozygotes.

Submission:

Labcorp Genetics (formerly Invitae), Labcorp
Classification: Uncertain significance for Primary ciliary dyskinesia. Last evaluated: 2025-03-16. Review status: criteria provided, single submitter. Criteria: Invitae Variant Classification Sherloc (09022015). Collection method: clinical testing. Allele origin: germline.
Comment: This sequence change replaces aspartic acid, which is acidic and polar, with valine, which is neutral and non-polar, at codon 439 of the DNAAF2 protein (p.Asp439Val). This variant is present in population databases (rs773020262, gnomAD 0.004%). This variant has not been reported in the literature in individuals affected with DNAAF2-related conditions. Invitae Evidence Modeling of protein sequence and biophysical properties (such as structural, functional, and spatial information, amino acid conservation, physicochemical variation, residue mobility, and thermodynamic stability) indicates that this missense variant is not expected to disrupt DNAAF2 protein function with a negative predictive value of 80%. In summary, the available evidence is currently insufficient to determine the role of this variant in disease. Therefore, it has been classified as a Variant of Uncertain Significance.

NM_018139.3(DNAAF2):c.1316A>T (p.Asp439Val)

Genes: DNAAF2 (dynein axonemal assembly factor 2; minus strand), LOC130055542 (ATAC-STARR-seq lymphoblastoid silent region 5699; plus strand). Cytogenetic location: 14q21.3.
Variant type: single nucleotide variant.
Coding change: c.1316A>T on transcript NM_018139.3 (MANE Select); coding-DNA position 1316, A replaced by T.
Protein change: p.Asp439Val; replaces aspartic acid 439 with valine.
Molecular consequence: missense variant. On other transcripts: 5 prime UTR variant (1).
Genome position (GRCh38, 1-based): chr14:49,633,834, T>A on the plus strand (A>T on the coding strand, the complement: DNAAF2 is on the minus strand). VCF-style: chr14-49633834-T-A. GRCh37 (hg19) VCF-style: chr14-50100552-T-A.
Other names: c.1316A>T, p.Asp439Val (NM_001083908.2); c.-556A>T (NM_001378453.1); short protein forms D439V.
Identifiers: ClinVar variation 4701969 (VCV004701969.1).